The following is an entry in ClinVar:

NM_004318.4(ASPH):c.441A>C (p.Ala147=)

Gene: ASPH (aspartate beta-hydroxylase; minus strand). Cytogenetic location: 8q12.3.
Variant type: single nucleotide variant.
Coding change: c.441A>C on transcript NM_004318.4 (MANE Select); coding-DNA position 441, A replaced by C.
Protein change: p.Ala147=; no amino-acid change (alanine 147 retained).
Molecular consequence: synonymous variant.
Genome position (GRCh38, 1-based): chr8:61,651,099, T>G on the plus strand (A>C on the coding strand, the complement: ASPH is on the minus strand). VCF-style: chr8-61651099-T-G. GRCh37 (hg19) VCF-style: chr8-62563658-T-G.
Other names: c.354A>C, p.Ala118= (NM_001164750.2); c.399A>C, p.Ala133= (NM_001164751.2, NM_001164752.2, NM_001164753.2 and 1 more transcripts); c.441A>C, p.Ala147= (NM_001164754.2, NM_001164755.2, NM_032466.4).
Identifiers: ClinVar variation 733121 (VCV000733121.10), dbSNP rs151310807, ClinGen allele CA4762247.

ClinVar aggregate classification (germline): Likely benign. Review status: criteria provided, multiple submitters, no conflicts (2 of 4 stars). 3 submissions from 3 submitters: Likely benign (3). Last evaluated 2026-01-15.

Conditions:
ASPH-related disorder. Also called: ASPH-related condition.

Allele frequency attached by ClinVar (database versions not stated): 1000 Genomes Project 0.00020; 1000 Genomes Project 30x 0.00031; ESP Exome Variant Server 0.00054; ExAC 0.00055; gnomAD exomes 0.00059 and 0.00087; gnomAD 0.00066 and 0.00070; TOPMed 0.00098.
gnomAD v4.1: 1,387 of 1,613,800 alleles (0.086%); highest among the groups gnomAD compares: Admixed American, 0.2%; 1 homozygote.

Submissions (3):

Labcorp Genetics (formerly Invitae), Labcorp
Classification: Likely benign. Last evaluated: 2026-01-15. Review status: criteria provided, single submitter. Criteria: Invitae Variant Classification Sherloc (09022015). Collection method: clinical testing. Allele origin: germline.

PreventionGenetics, part of Exact Sciences
Classification: Likely benign for ASPH-related condition. Last evaluated: 2024-12-03. Review status: criteria provided, single submitter. Criteria: ACMG Guidelines, 2015. Collection method: clinical testing. Allele origin: germline.
Comment: This variant is classified as likely benign based on ACMG/AMP sequence variant interpretation guidelines (Richards et al. 2015 PMID: 25741868, with internal and published modifications).

Breakthrough Genomics
Classification: Likely benign. Review status: criteria provided, single submitter. Criteria: ACMG Guidelines, 2015. Collection method: not provided. Allele origin: germline. Inheritance: Autosomal recessive inheritance. Affected: yes.